The following is an entry in ClinVar:

NM_004211.5(SLC6A5):c.1737+3G>A

Gene: SLC6A5 (solute carrier family 6 member 5; plus strand). Cytogenetic location: 11p15.1.
Variant type: single nucleotide variant.
Coding change: c.1737+3G>A on transcript NM_004211.5 (MANE Select); 3 bases into the intron after coding-DNA position 1737, G replaced by A.
Molecular consequence: intron variant.
Genome position (GRCh38, 1-based): chr11:20,636,422, G>A. VCF-style: chr11-20636422-G-A. GRCh37 (hg19) VCF-style: chr11-20657968-G-A.
Other names: c.1035+3G>A (NM_001318369.2).
Identifiers: ClinVar variation 1406630 (VCV001406630.6), dbSNP rs1489671252, ClinGen allele CA597487629.

ClinVar aggregate classification (germline): Uncertain significance (1 of 4 stars; one submission).

Conditions:
Hyperekplexia 3 (HKPX3). Also called: HYPEREKPLEXIA 3, AUTOSOMAL RECESSIVE; HYPEREKPLEXIA 3, AUTOSOMAL DOMINANT. Identifiers: Orphanet 3197, MedGen C3553288, MONDO:0013827, OMIM 614618.

Allele frequency attached by ClinVar (database versions not stated): gnomAD exomes below 0.00001; gnomAD 0.00001; TOPMed 0.00001.
gnomAD v4.1: 3 of 1,566,742 alleles (0.00019%); highest among the groups gnomAD compares: Non-Finnish European, 0.00026%; no homozygotes.

Submission:

Labcorp Genetics (formerly Invitae), Labcorp
Classification: Uncertain significance for Hyperekplexia 3. Last evaluated: 2022-11-03. Review status: criteria provided, single submitter. Criteria: Invitae Variant Classification Sherloc (09022015). Collection method: clinical testing. Allele origin: germline.
Comment: This variant has not been reported in the literature in individuals affected with SLC6A5-related conditions. This variant is present in population databases (no rsID available, gnomAD 0.007%). ClinVar contains an entry for this variant (Variation ID: 1406630). Variants that disrupt the consensus splice site are a relatively common cause of aberrant splicing (PMID: 17576681, 9536098). Algorithms developed to predict the effect of sequence changes on RNA splicing suggest that this variant is not likely to affect RNA splicing. In summary, the available evidence is currently insufficient to determine the role of this variant in disease. Therefore, it has been classified as a Variant of Uncertain Significance. This sequence change falls in intron 11 of the SLC6A5 gene. It does not directly change the encoded amino acid sequence of the SLC6A5 protein. It affects a nucleotide within the consensus splice site.

Literature cited by the submitters: PubMed 17576681; PubMed 9536098.